The following is an entry in ClinVar:

ClinVar aggregate classification (germline): Likely benign (0 of 4 stars; one submission).

Conditions:
DNAH2-related disorder. Also called: DNAH2-related condition.

Allele frequency attached by ClinVar (database versions not stated): TOPMed 0.00003; gnomAD exomes 0.00004; ExAC 0.00007; gnomAD 0.00010; 1000 Genomes Project 0.00040; 1000 Genomes Project 30x 0.00047.
gnomAD v4.1: 77 of 1,614,254 alleles (0.0048%); highest among the groups gnomAD compares: South Asian, 0.015%; no homozygotes.

Submission:

PreventionGenetics, part of Exact Sciences
Classification: Likely benign for DNAH2-related condition. Last evaluated: 2019-05-15. Review status: no assertion criteria provided. Collection method: clinical testing. Allele origin: germline.
Comment: This variant is classified as likely benign based on ACMG/AMP sequence variant interpretation guidelines (Richards et al. 2015 PMID: 25741868, with internal and published modifications).

NM_020877.5(DNAH2):c.11004C>T (p.Tyr3668=)

Gene: DNAH2 (dynein axonemal heavy chain 2; plus strand). Cytogenetic location: 17p13.1.
Variant type: single nucleotide variant.
Coding change: c.11004C>T on transcript NM_020877.5 (MANE Select); coding-DNA position 11004, C replaced by T.
Protein change: p.Tyr3668=; no amino-acid change (tyrosine 3668 retained).
Molecular consequence: synonymous variant.
Genome position (GRCh38, 1-based): chr17:7,819,397, C>T. VCF-style: chr17-7819397-C-T. GRCh37 (hg19) VCF-style: chr17-7722715-C-T.
Identifiers: ClinVar variation 3041821 (VCV003041821.2), dbSNP rs185083349, ClinGen allele CA8359310.